The following is an entry in ClinVar:

NM_000212.3(ITGB3):c.917A>G (p.His306Arg)

Gene: ITGB3 (integrin subunit beta 3; plus strand). Cytogenetic location: 17q21.32.
Variant type: single nucleotide variant.
Coding change: c.917A>G on transcript NM_000212.3 (MANE Select); coding-DNA position 917, A replaced by G.
Protein change: p.His306Arg; replaces histidine 306 with arginine.
Molecular consequence: missense variant.
Genome position (GRCh38, 1-based): chr17:47,287,209, A>G. VCF-style: chr17-47287209-A-G. GRCh37 (hg19) VCF-style: chr17-45364575-A-G.
Other names: short protein forms H306R.
Identifiers: ClinVar variation 2200732 (VCV002200732.3), dbSNP rs13306476, ClinGen allele CA8623079.
Genomic context (GRCh38, chr17:47,287,209, plus strand): 5'-GAAGGCTGGCAGGCATTGTCCAGCCTAATGACGGGCAGTGTCATGTTGGTAGTGACAATC[A>G]TTACTCTGCCTCCACTACCATGGTGAGATCTCTGGCACCACCTATGGTTTCTATTCATGA-3'
Protein context (NP_000203.2, residues 296-316): DGQCHVGSDN[His306Arg]YSASTTMDYP

ClinVar aggregate classification (germline): Uncertain significance (1 of 4 stars; one submission).

Allele frequency attached by ClinVar (database versions not stated): ExAC 0.00001.
gnomAD v4.1: 6 of 1,613,912 alleles (0.00037%); highest among the groups gnomAD compares: East Asian, 0.013%; no homozygotes.

Submission:

Labcorp Genetics (formerly Invitae), Labcorp
Classification: Uncertain significance. Last evaluated: 2025-09-01. Review status: criteria provided, single submitter. Criteria: Invitae Variant Classification Sherloc (09022015). Collection method: clinical testing. Allele origin: germline.
Comment: This sequence change replaces histidine, which is basic and polar, with arginine, which is basic and polar, at codon 306 of the ITGB3 protein (p.His306Arg). This variant is present in population databases (rs13306476, gnomAD 0.01%). This variant has not been reported in the literature in individuals affected with ITGB3-related conditions. ClinVar contains an entry for this variant (Variation ID: 2200732). Invitae Evidence Modeling of protein sequence and biophysical properties (such as structural, functional, and spatial information, amino acid conservation, physicochemical variation, residue mobility, and thermodynamic stability) indicates that this missense variant is not expected to disrupt ITGB3 protein function with a negative predictive value of 80%. This variant disrupts the p.His306 amino acid residue in ITGB3. Other variant(s) that disrupt this residue have been determined to be pathogenic (PMID: 9790984). This suggests that this residue is clinically significant, and that variants that disrupt this residue are likely to be disease-causing. In summary, the available evidence is currently insufficient to determine the role of this variant in disease. Therefore, it has been classified as a Variant of Uncertain Significance.

Literature cited by the submitters: PubMed 9790984.